The following is an entry in ClinVar:

ClinVar aggregate classification (germline): Uncertain significance (1 of 4 stars; one submission).

Conditions:
3-methylglutaconic aciduria, type VIIB (MGCA7B). Also called: CLPB Deficiency; 3-methylglutaconic aciduria, type VII, with cataracts, neurologic involvement and neutropenia; 3-methylglutaconic aciduria with cataracts, neurologic involvement and neutropenia. Identifiers: Orphanet 445038, MedGen C5676893, MONDO:0014561, OMIM 616271.

Submission:

Labcorp Genetics (formerly Invitae), Labcorp
Classification: Uncertain significance for 3-methylglutaconic aciduria, type VIIB. Last evaluated: 2022-12-16. Review status: criteria provided, single submitter. Criteria: Invitae Variant Classification Sherloc (09022015). Collection method: clinical testing. Allele origin: germline.
Comment: ClinVar contains an entry for this variant (Variation ID: 964426). Algorithms developed to predict the effect of missense changes on protein structure and function are either unavailable or do not agree on the potential impact of this missense change (SIFT: "Deleterious"; PolyPhen-2: "Probably Damaging"; Align-GVGD: "Class C0"). In summary, the available evidence is currently insufficient to determine the role of this variant in disease. Therefore, it has been classified as a Variant of Uncertain Significance. This variant has not been reported in the literature in individuals affected with CLPB-related conditions. This sequence change replaces glutamic acid, which is acidic and polar, with valine, which is neutral and non-polar, at codon 435 of the CLPB protein (p.Glu435Val). This variant is not present in population databases (gnomAD no frequency).

NM_001258392.3(CLPB):c.1214A>T (p.Glu405Val)

Genes: CLPB (ClpB family mitochondrial disaggregase; minus strand), LOC126861258 (MED14-independent group 3 enhancer GRCh37_chr11:72012242-72013441; plus strand). Cytogenetic location: 11q13.4.
Variant type: single nucleotide variant.
Coding change: c.1214A>T on transcript NM_001258392.3 (MANE Select); coding-DNA position 1214, A replaced by T.
Protein change: p.Glu405Val; replaces glutamic acid 405 with valine.
Molecular consequence: missense variant.
Genome position (GRCh38, 1-based): chr11:72,301,918, T>A on the plus strand (A>T on the coding strand, the complement: CLPB is on the minus strand). VCF-style: chr11-72301918-T-A. GRCh37 (hg19) VCF-style: chr11-72012962-T-A.
Other names: c.1127A>T, p.Glu376Val (NM_001258393.3); c.1169A>T, p.Glu390Val (NM_001258394.3); c.1304A>T, p.Glu435Val (NM_030813.6); short protein forms E390V, E405V, E435V, E376V.
Identifiers: ClinVar variation 964426 (VCV000964426.10), dbSNP rs1590764241, ClinGen allele CA381733019.